The following is an entry in ClinVar:

ClinVar aggregate classification (germline): Uncertain significance (1 of 4 stars; one submission).

Submission:

GeneDx
Classification: Uncertain significance. Last evaluated: 2025-06-24. Review status: criteria provided, single submitter. Criteria: GeneDx Variant Classification Process June 2021. Collection method: clinical testing. Allele origin: germline. Affected: yes.
Comment: Not observed at significant frequency in large population cohorts (gnomAD); In silico analysis suggests that this missense variant does not alter protein structure/function; Has not been previously published as pathogenic or benign to our knowledge

NM_006922.4(SCN3A):c.1051A>G (p.Ile351Val)

Gene: SCN3A (sodium voltage-gated channel alpha subunit 3; minus strand). Cytogenetic location: 2q24.3.
Variant type: single nucleotide variant.
Coding change: c.1051A>G on transcript NM_006922.4 (MANE Select); coding-DNA position 1051, A replaced by G.
Protein change: p.Ile351Val; replaces isoleucine 351 with valine.
Molecular consequence: missense variant.
Genome position (GRCh38, 1-based): chr2:165,155,884, T>C on the plus strand (A>G on the coding strand, the complement: SCN3A is on the minus strand). VCF-style: chr2-165155884-T-C. GRCh37 (hg19) VCF-style: chr2-166012394-T-C.
Other names: c.1051A>G, p.Ile351Val (NM_001081676.2, NM_001081677.2); short protein forms I351V.
Identifiers: ClinVar variation 4540355 (VCV004540355.1).
Genomic context (GRCh38, chr2:165,155,884, plus strand): 5'-AGCTAAAGGTGTCAAAGCTTGTGTAGCCATAGTTGGGGTTTCGACCAGCCTTCACACAGA[T>C]GTATCCTTCTGGACACTGGCTATAAGAGAGAGAAATGGAGGTAGGGTCAGTTTAGAAATT-3'
Protein context (NP_008853.3, residues 341-361): SDAGQCPEGY[Ile351Val]CVKAGRNPNY